The following is an entry in ClinVar:

ClinVar aggregate classification (germline): Likely benign (1 of 4 stars; one submission).

gnomAD v4.1: 5 of 1,614,016 alleles (0.00031%); highest among the groups gnomAD compares: Admixed American, 0.0083%; no homozygotes.

Submission:

CeGaT Center for Human Genetics Tuebingen
Classification: Likely benign. Last evaluated: 2026-08-01. Review status: criteria provided, single submitter. Criteria: CeGaT Center For Human Genetics Tuebingen Variant Classification Criteria Version 2. Collection method: clinical testing. Allele origin: germline. Affected: yes. Observed: 1 variant allele.
Comment: TRIP12: BP4

NM_001348323.3(TRIP12):c.24T>C (p.Asn8=)

Gene: TRIP12 (thyroid hormone receptor interactor 12; minus strand). Cytogenetic location: 2q36.3.
Variant type: single nucleotide variant.
Coding change: c.24T>C on transcript NM_001348323.3 (MANE Select); coding-DNA position 24, T replaced by C.
Protein change: p.Asn8=; no amino-acid change (asparagine 8 retained).
Molecular consequence: synonymous variant.
Genome position (GRCh38, 1-based): chr2:229,880,056, A>G on the plus strand (T>C on the coding strand, the complement: TRIP12 is on the minus strand). VCF-style: chr2-229880056-A-G. GRCh37 (hg19) VCF-style: chr2-230744772-A-G.
Other names: c.24T>C, p.Asn8= (NM_001284214.2, NM_001284215.2, NM_001284216.2 and 22 more transcripts).
Identifiers: ClinVar variation 5040577 (VCV005040577.1).